The following is an entry in ClinVar:

NM_020975.6(RET):c.169C>G (p.Arg57Gly)

Gene: RET (ret proto-oncogene; plus strand). Cytogenetic location: 10q11.21.
Variant type: single nucleotide variant.
Coding change: c.169C>G on transcript NM_020975.6 (MANE Select); coding-DNA position 169, C replaced by G.
Protein change: p.Arg57Gly; replaces arginine 57 with glycine.
Molecular consequence: missense variant. On other transcripts: intron variant (4).
Genome position (GRCh38, 1-based): chr10:43,100,554, C>G. VCF-style: chr10-43100554-C-G. GRCh37 (hg19) VCF-style: chr10-43596002-C-G.
Other names: c.169C>G, p.Arg57Gly (NM_000323.2, NM_001406743.1, NM_001406744.1 and 34 more transcripts); c.74-8477C>G (NM_001406784.1); c.74-11545C>G (NM_001406794.1, NM_001406792.1, NM_001406793.1); short protein forms R57G.
Identifiers: ClinVar variation 2813389 (VCV002813389.3), dbSNP rs876658284, ClinGen allele CA376770236.

ClinVar aggregate classification (germline): Uncertain significance (1 of 4 stars; one submission).

Conditions:
Multiple endocrine neoplasia, type 2 (MEN2). Identifiers: Orphanet 653, MedGen C4048306, MONDO:0019003. Disease mechanism: gain of function.

Submission:

Labcorp Genetics (formerly Invitae), Labcorp
Classification: Uncertain significance for Multiple endocrine neoplasia, type 2. Last evaluated: 2022-11-10. Review status: criteria provided, single submitter. Criteria: Invitae Variant Classification Sherloc (09022015). Collection method: clinical testing. Allele origin: germline.
Comment: In summary, the available evidence is currently insufficient to determine the role of this variant in disease. Therefore, it has been classified as a Variant of Uncertain Significance. This sequence change replaces arginine, which is basic and polar, with glycine, which is neutral and non-polar, at codon 57 of the RET protein (p.Arg57Gly). This variant is not present in population databases (gnomAD no frequency). This variant has not been reported in the literature in individuals affected with RET-related conditions. Algorithms developed to predict the effect of missense changes on protein structure and function are either unavailable or do not agree on the potential impact of this missense change (SIFT: "Deleterious"; PolyPhen-2: "Benign"; Align-GVGD: "Class C0").